The following is an entry in ClinVar:

NM_206926.2(SELENON):c.741C>G (p.Ile247Met)

Gene: SELENON (selenoprotein N; plus strand). Cytogenetic location: 1p36.11.
Variant type: single nucleotide variant.
Coding change: c.741C>G on transcript NM_206926.2 (MANE Select); coding-DNA position 741, C replaced by G.
Protein change: p.Ile247Met; replaces isoleucine 247 with methionine.
Molecular consequence: missense variant.
Genome position (GRCh38, 1-based): chr1:25,809,121, C>G. VCF-style: chr1-25809121-C-G. GRCh37 (hg19) VCF-style: chr1-26135612-C-G.
Other names: c.843C>G, p.Ile281Met (NM_020451.3); short protein forms I281M, I247M.
Identifiers: ClinVar variation 2584979 (VCV002584979.1), dbSNP rs2524984226, ClinGen allele CA339114084.

ClinVar aggregate classification (germline): Uncertain significance (1 of 4 stars; one submission).

Conditions:
Congenital myopathy 4A, autosomal dominant (CMYO4A). Identifiers: MedGen CN178536, MONDO:0800341, OMIM 255310.

Allele frequency attached by ClinVar (database versions not stated): gnomAD exomes below 0.00001.

Submission:

Neuberg Centre For Genomic Medicine, NCGM
Classification: Uncertain significance for Congenital myopathy 4A, autosomal dominant. Review status: criteria provided, single submitter. Criteria: ACMG Guidelines, 2015. Collection method: clinical testing. Allele origin: germline. Inheritance: Autosomal dominant inheritance. Affected: yes.
Comment: The missense variant in c.843C>G(p.Ile281Met) in SELENON gene has not been reported previously as a pathogenic variant nor as a benign variant, to our knowledge. The p.Ile281Met variant is novel (not in any individuals) in gnomAD Exomes and 1000 Genomes. This variant has not been reported to the ClinVar database. The amino acid change p.Ile281Met in SELENON is predicted as conserved by GERP++ and PhyloP across 100 vertebrates. The amino acid Ile at position 281 is changed to a Met changing protein sequence and it might alter its composition and physico-chemical properties. For these reasons, this variant has been classified as Uncertain Significance (VUS).